The following is an entry in ClinVar:

NM_005465.7(AKT3):c.752A>G (p.Tyr251Cys)

Gene: AKT3 (AKT serine/threonine kinase 3; minus strand). Cytogenetic location: 1q44.
Variant type: single nucleotide variant.
Coding change: c.752A>G on transcript NM_005465.7 (MANE Select); coding-DNA position 752, A replaced by G.
Protein change: p.Tyr251Cys; replaces tyrosine 251 with cysteine.
Molecular consequence: missense variant.
Genome position (GRCh38, 1-based): chr1:243,572,993, T>C on the plus strand (A>G on the coding strand, the complement: AKT3 is on the minus strand). VCF-style: chr1-243572993-T-C. GRCh37 (hg19) VCF-style: chr1-243736295-T-C.
Other names: c.752A>G, p.Tyr251Cys (NM_001206729.2, NM_001370074.1, NM_181690.2); short protein forms Y251C.
Identifiers: ClinVar variation 846856 (VCV000846856.35), dbSNP rs766197531, ClinGen allele CA1484033.

ClinVar aggregate classification (germline): Uncertain significance. Review status: criteria provided, multiple submitters, no conflicts (2 of 4 stars). 3 submissions from 3 submitters: Uncertain significance (3). Last evaluated 2024-12-02.

Conditions:
Seizure. Also called: Seizures. Identifiers: MedGen C0036572, HP:0001250.
Megalencephaly-polymicrogyria-polydactyly-hydrocephalus syndrome 2 (MPPH2). Also called: MEGALENCEPHALY-POLYMICROGYRIA-POLYDACTYLY-HYDROCEPHALUS SYNDROME 2, SOMATIC. Identifiers: Orphanet 83473, MedGen C4014738, MONDO:0014407, OMIM 615937.

Allele frequency attached by ClinVar (database versions not stated): gnomAD exomes below 0.00001 and 0.00001; TOPMed below 0.00001; ExAC 0.00001.
gnomAD v4.1: 8 of 1,613,276 alleles (0.0005%); highest among the groups gnomAD compares: South Asian, 0.0011%; no homozygotes.

Submissions (3):

Cytogénomique, Hospices Civils de Lyon
Classification: Uncertain significance for Seizure. Last evaluated: 2024-12-02. Review status: criteria provided, single submitter. Criteria: ACMG Guidelines, 2015. Collection method: clinical testing. Allele origin: paternal. Affected: yes.

CeGaT Center for Human Genetics Tuebingen
Classification: Uncertain significance. Last evaluated: 2022-07-01. Review status: criteria provided, single submitter. Criteria: CeGaT Center For Human Genetics Tuebingen Variant Classification Criteria Version 2. Collection method: clinical testing. Allele origin: germline. Affected: yes. Observed: 1 variant allele.
Comment: AKT3: PP2

Labcorp Genetics (formerly Invitae), Labcorp
Classification: Uncertain significance for Megalencephaly-polymicrogyria-polydactyly-hydrocephalus syndrome 2. Last evaluated: 2019-12-31. Review status: criteria provided, single submitter. Criteria: Invitae Variant Classification Sherloc (09022015). Collection method: clinical testing. Allele origin: germline.
Comment: In summary, the available evidence is currently insufficient to determine the role of this variant in disease. Therefore, it has been classified as a Variant of Uncertain Significance. Algorithms developed to predict the effect of missense changes on protein structure and function (SIFT, PolyPhen-2, Align-GVGD) all suggest that this variant is likely to be disruptive, but these predictions have not been confirmed by published functional studies and their clinical significance is uncertain. This variant has not been reported in the literature in individuals with AKT3-related conditions. This variant is present in population databases (rs766197531, ExAC 0.006%). This sequence change replaces tyrosine with cysteine at codon 251 of the AKT3 protein (p.Tyr251Cys). The tyrosine residue is highly conserved and there is a large physicochemical difference between tyrosine and cysteine.